The following is an entry in ClinVar:

ClinVar aggregate classification (germline): Uncertain significance (1 of 4 stars; one submission).

gnomAD v4.1: 4 of 1,614,028 alleles (0.00025%); highest among the groups gnomAD compares: Non-Finnish European, 0.00034%; no homozygotes.

Submission:

Dasa
Classification: Uncertain significance. Last evaluated: 2024-06-26. Review status: criteria provided, single submitter. Criteria: DASA Assertion Criteria. Collection method: clinical testing. Allele origin: germline.
Comment: NM_001375524.1(TRRAP):c.10586G>A (p.Arg3529Gln) is a missense variant that results in the substitution of arginine with glutamine. This variant is rare in population databases. Computational prediction algorithms are consistent with a deleterious effect. The currently available literature and clinical evidence are not sufficient to establish a definitive association between this variant and the reported condition. Therefore, this variant is classified as a variant of uncertain significance.

NM_001375524.1(TRRAP):c.10586G>A (p.Arg3529Gln)

Gene: TRRAP (transformation/transcription domain associated protein; plus strand). Cytogenetic location: 7q22.1.
Variant type: single nucleotide variant.
Coding change: c.10586G>A on transcript NM_001375524.1 (MANE Select); coding-DNA position 10586, G replaced by A.
Protein change: p.Arg3529Gln; replaces arginine 3529 with glutamine.
Molecular consequence: missense variant.
Genome position (GRCh38, 1-based): chr7:99,005,181, G>A. VCF-style: chr7-99005181-G-A. GRCh37 (hg19) VCF-style: chr7-98602804-G-A.
Other names: c.10544G>A, p.Arg3515Gln (NM_001244580.2); c.10457G>A, p.Arg3486Gln (NM_003496.4); short protein forms R3486Q, R3515Q, R3529Q.
Identifiers: ClinVar variation 4881379 (VCV004881379.2).
Genomic context (GRCh38, chr7:99,005,181, plus strand): 5'-GCTCTGGCAGGTTCATGCCCCGGGTAGAGATTGTGCAGAAGCACAACACCGCAGCCCGGC[G>A]GCTGTACATCCGGGGACACAATGGCAAGATCTACCCATACCTCGTCATGAACGACGCCTG-3'
Protein context (NP_001362453.1, residues 3519-3539): IVQKHNTAAR[Arg3529Gln]LYIRGHNGKI